The following is an entry in ClinVar:

ClinVar aggregate classification (germline): Likely benign. Review status: criteria provided, multiple submitters, no conflicts (2 of 4 stars). 3 submissions from 3 submitters: Likely benign (3). Last evaluated 2025-07-28.

Conditions:
Hereditary cancer-predisposing syndrome. Also called: Tumor predisposition; Hereditary neoplastic syndrome; Neoplastic Syndromes, Hereditary; Hereditary Cancer Syndrome. Identifiers: Orphanet 140162, MedGen C0027672, MeSH D009386, MONDO:0015356.
Hereditary breast ovarian cancer syndrome. Also called: Hereditary breast and ovarian cancer syndrome (HBOC); Hereditary breast and ovarian cancer; Hereditary breast and ovarian cancer syndrome; Breast and ovarian cancer; BRCA1- and BRCA2-Associated Hereditary Breast and Ovarian Cancer; Hereditary breast and/or ovarian cancer syndrome. Identifiers: Orphanet 145, MedGen C0677776, MeSH D061325, MONDO:0003582. Disease mechanism: loss of function.

Submissions (3):

Ambry Genetics
Classification: Likely benign for Hereditary cancer-predisposing syndrome. Last evaluated: 2025-07-28. Review status: criteria provided, single submitter. Criteria: Ambry Variant Classification Scheme 2023. Collection method: clinical testing. Allele origin: germline.

Labcorp Genetics (formerly Invitae), Labcorp
Classification: Likely benign for Hereditary breast ovarian cancer syndrome. Last evaluated: 2025-04-22. Review status: criteria provided, single submitter. Criteria: Invitae Variant Classification Sherloc (09022015). Collection method: clinical testing. Allele origin: germline.

GeneDx
Classification: Likely benign. Last evaluated: 2017-02-10. Review status: criteria provided, single submitter. Criteria: GeneDx Variant Classification (06012015). Collection method: clinical testing. Allele origin: germline. Affected: yes.
Comment: This variant is considered likely benign or benign based on one or more of the following criteria: it is a conservative change, it occurs at a poorly conserved position in the protein, it is predicted to be benign by multiple in silico algorithms, and/or has population frequency not consistent with disease.

NM_000059.4(BRCA2):c.6675A>C (p.Thr2225=)

Gene: BRCA2 (BRCA2 DNA repair associated; plus strand). Cytogenetic location: 13q13.1.
Variant type: single nucleotide variant.
Coding change: c.6675A>C on transcript NM_000059.4 (MANE Select); coding-DNA position 6675, A replaced by C.
Protein change: p.Thr2225=; no amino-acid change (threonine 2225 retained).
Molecular consequence: synonymous variant.
Genome position (GRCh38, 1-based): chr13:32,341,030, A>C. VCF-style: chr13-32341030-A-C. GRCh37 (hg19) VCF-style: chr13-32915167-A-C.
Identifiers: ClinVar variation 517727 (VCV000517727.10), dbSNP rs28897741, ClinGen allele CA483439385.